The following is an entry in ClinVar:

ClinVar aggregate classification (germline): Pathogenic. Review status: criteria provided, multiple submitters, no conflicts (2 of 4 stars). 2 submissions from 2 submitters: Pathogenic (2). Last evaluated 2026-06-12.

Conditions:
FGFR2-related craniosynostosis. Identifiers: MedGen CN231480.
Common craniosynostosis syndromes.

Submissions (2):

Genetics Laboratory, Great Ormond Street Hospital NHS Foundation Trust, North Thames Genomic Laboratory Hub
Classification: Pathogenic for Common craniosynostosis syndromes. Last evaluated: 2026-06-12. Review status: criteria provided, single submitter. Criteria: ACGS Best Practice Guidelines for Variant Classification in Rare Disease 2024 v1.2. Collection method: clinical testing. Allele origin: germline. Affected: yes.
Comment: PS4_moderate, PM2_moderate, PP3_supporting, PM5_moderate, PS3_moderate, PM6_moderate

Labcorp Genetics (formerly Invitae), Labcorp
Classification: Pathogenic for FGFR2-related craniosynostosis. Last evaluated: 2022-04-10. Review status: criteria provided, single submitter. Criteria: Invitae Variant Classification Sherloc (09022015). Collection method: clinical testing. Allele origin: germline.
Comment: For these reasons, this variant has been classified as Pathogenic. Algorithms developed to predict the effect of missense changes on protein structure and function are either unavailable or do not agree on the potential impact of this missense change (SIFT: "Not Available"; PolyPhen-2: "Possibly Damaging"; Align-GVGD: "Not Available"). ClinVar contains an entry for this variant (Variation ID: 578389). This missense change has been observed in individuals with FGFR2-related craniosynostosis (PMID: 7655462, 23348274, 24127277, 25361936; Invitae). Information on the frequency of this variant in the gnomAD database is not available, as this variant may be reported differently in the database. This sequence change replaces cysteine, which is neutral and slightly polar, with phenylalanine, which is neutral and non-polar, at codon 278 of the FGFR2 protein (p.Cys278Phe).

Literature cited by the submitters: PubMed 7655462 (cited by Labcorp Genetics (formerly Invitae), Labcorp); PubMed 23348274 (cited by Labcorp Genetics (formerly Invitae), Labcorp); PubMed 24127277 (cited by Labcorp Genetics (formerly Invitae), Labcorp); PubMed 25361936 (cited by Labcorp Genetics (formerly Invitae), Labcorp).

NM_000141.5(FGFR2):c.833_834delinsTT (p.Cys278Phe)

Gene: FGFR2 (fibroblast growth factor receptor 2; minus strand). Cytogenetic location: 10q26.13.
Variant type: Indel.
Coding change: c.833_834delinsTT on transcript NM_000141.5 (MANE Select); coding-DNA positions 833 to 834, GC replaced by TT.
Protein change: p.Cys278Phe; replaces cysteine 278 with phenylalanine.
Molecular consequence: missense variant. On other transcripts: non-coding transcript variant (1), intron variant (1).
Genome position (GRCh38, 1-based): chr10:121,520,084-121,520,085, GC replaced by AA on the plus strand (GC replaced by TT on the coding strand, the reverse complement: FGFR2 is on the minus strand). VCF-style: chr10-121520084-GC-AA. GRCh37 (hg19) VCF-style: chr10-123279598-GC-AA.
Other names: c.833_834delinsTT, p.Cys278Phe (NM_022970.4, NM_001144913.1, NM_001144917.2 and 1 more transcripts); c.566_567delGCinsTT, p.Cys189Phe (NM_023029.3); c.749-4766_749-4765delinsTT (NM_001144914.1); c.566_567delinsTT, p.Cys189Phe (NM_001144915.2, NM_001144919.2); c.488_489delinsTT, p.Cys163Phe (NM_001144916.2, NM_001144918.2); c.149_150delinsTT, p.Cys50Phe (NM_001320654.2); short protein forms C189F, C278F, C50F, C163F.
Identifiers: ClinVar variation 578389 (VCV000578389.13), dbSNP rs1057519037, ClinGen allele CA658655488.